The following is an entry in ClinVar:

ClinVar aggregate classification (germline): Uncertain significance. Review status: criteria provided, single submitter (1 of 4 stars). 2 submissions from 2 submitters: Uncertain significance (1). 1 of the submissions does not count toward it. Last evaluated 2020-09-21.

Conditions:
Bloom syndrome (BLM). Also called: Bloom-Torre-Machacek syndrome. Identifiers: Orphanet 125, MedGen C0005859, MONDO:0008876, OMIM 210900.

Allele frequency attached by ClinVar (database versions not stated): gnomAD exomes below 0.00001.
gnomAD v4.1: 1 of 1,613,704 alleles (0.000062%); highest among the groups gnomAD compares: Non-Finnish European, 0.000085%; no homozygotes.

Submissions (2):

Labcorp Genetics (formerly Invitae), Labcorp
Classification: Uncertain significance for Bloom syndrome. Last evaluated: 2020-09-21. Review status: criteria provided, single submitter. Criteria: Invitae Variant Classification Sherloc (09022015). Collection method: clinical testing. Allele origin: germline.
Comment: This sequence change replaces glutamine with histidine at codon 1127 of the BLM protein (p.Gln1127His). The glutamine residue is moderately conserved and there is a small physicochemical difference between glutamine and histidine. This variant is not present in population databases (ExAC no frequency). This variant has not been reported in the literature in individuals with BLM-related conditions. Algorithms developed to predict the effect of missense changes on protein structure and function (SIFT, PolyPhen-2, Align-GVGD) all suggest that this variant is likely to be tolerated, but these predictions have not been confirmed by published functional studies and their clinical significance is uncertain. In summary, the available evidence is currently insufficient to determine the role of this variant in disease. Therefore, it has been classified as a Variant of Uncertain Significance.

Natera, Inc.
Classification: Uncertain significance for Bloom syndrome. Last evaluated: 2025-01-26. Review status: no assertion criteria provided. Collection method: clinical testing. Allele origin: germline. Not counted in ClinVar's aggregate classification.

NM_000057.4(BLM):c.3381G>T (p.Gln1127His)

Gene: BLM (BLM RecQ like helicase; plus strand). Cytogenetic location: 15q26.1.
Variant type: single nucleotide variant.
Coding change: c.3381G>T on transcript NM_000057.4 (MANE Select); coding-DNA position 3381, G replaced by T.
Protein change: p.Gln1127His; replaces glutamine 1127 with histidine.
Molecular consequence: missense variant. On other transcripts: intron variant (1).
Genome position (GRCh38, 1-based): chr15:90,803,543, G>T. VCF-style: chr15-90803543-G-T. GRCh37 (hg19) VCF-style: chr15-91346773-G-T.
Other names: c.3381G>T (NM_000057.3); c.3381G>T, p.Gln1127His (NM_001287246.2); c.2256G>T, p.Gln752His (NM_001287248.2); c.3358+5206G>T (NM_001287247.2); short protein forms Q1127H, Q752H.
Identifiers: ClinVar variation 1062458 (VCV001062458.10), dbSNP rs1596267417, ClinGen allele CA393847476.